The following is an entry in ClinVar:

ClinVar aggregate classification (germline): Uncertain significance (1 of 4 stars; one submission).

Conditions:
Neuronal ceroid lipofuscinosis. Also called: Neuronal Ceroid Lipofuscinoses. Identifiers: Orphanet 216, Orphanet 79263, MedGen C0027877, MONDO:0016295. Disease mechanism: loss of function.

Allele frequency attached by ClinVar (database versions not stated): gnomAD exomes below 0.00001; TOPMed 0.00001.
gnomAD v4.1: 2 of 1,611,532 alleles (0.00012%); highest among the groups gnomAD compares: Admixed American, 0.0017%; no homozygotes.

Submission:

Labcorp Genetics (formerly Invitae), Labcorp
Classification: Uncertain significance for Neuronal ceroid lipofuscinosis. Last evaluated: 2025-12-01. Review status: criteria provided, single submitter. Criteria: Invitae Variant Classification Sherloc (09022015). Collection method: clinical testing. Allele origin: germline.
Comment: This sequence change replaces serine, which is neutral and polar, with asparagine, which is neutral and polar, at codon 73 of the CLN3 protein (p.Ser73Asn). This variant is not present in population databases (gnomAD no frequency). This variant has not been reported in the literature in individuals affected with CLN3-related conditions. ClinVar contains an entry for this variant (Variation ID: 2727137). Invitae Evidence Modeling of protein sequence and biophysical properties (such as structural, functional, and spatial information, amino acid conservation, physicochemical variation, residue mobility, and thermodynamic stability) indicates that this missense variant is not expected to disrupt CLN3 protein function with a negative predictive value of 80%. In summary, the available evidence is currently insufficient to determine the role of this variant in disease. Therefore, it has been classified as a Variant of Uncertain Significance.

NM_001042432.2(CLN3):c.218G>A (p.Ser73Asn)

Gene: CLN3 (CLN3 lysosomal/endosomal transmembrane protein, battenin; minus strand). Cytogenetic location: 16p12.1.
Variant type: single nucleotide variant.
Coding change: c.218G>A on transcript NM_001042432.2 (MANE Select); coding-DNA position 218, G replaced by A.
Protein change: p.Ser73Asn; replaces serine 73 with asparagine.
Molecular consequence: missense variant. On other transcripts: 5 prime UTR variant (1).
Genome position (GRCh38, 1-based): chr16:28,489,294, C>T on the plus strand (G>A on the coding strand, the complement: CLN3 is on the minus strand). VCF-style: chr16-28489294-C-T. GRCh37 (hg19) VCF-style: chr16-28500615-C-T.
Other names: c.218G>A, p.Ser73Asn (NM_000086.2, NM_001286104.2); c.-3G>A (NM_001286105.2); c.56G>A, p.Ser19Asn (NM_001286109.2, NM_001286110.2); short protein forms S73N, S19N.
Identifiers: ClinVar variation 2727137 (VCV002727137.2), dbSNP rs2046273337, ClinGen allele CA395346390.
Genomic context (GRCh38, chr16:28,489,294, plus strand): 5'-CCCCCTCATCTTCCCACAGGGACTAACCATGGTGGTGGTGGTAGAGAGTCACTTACATGG[C>T]TCTGGTTTCCCGATGTCCTCTTGTGGCTAAGGATGTCGTGGGCGGCACTCAGCATCACCA-3'
Protein context (NP_001035897.1, residues 63-83): LSHKRTSGNQ[Ser73Asn]HVDPGPTPIP